The following is an entry in ClinVar:

NM_001127222.2(CACNA1A):c.631+4C>T

Gene: CACNA1A (calcium voltage-gated channel subunit alpha1 A; minus strand). Cytogenetic location: 19p13.13.
Variant type: single nucleotide variant.
Coding change: c.631+4C>T on transcript NM_001127222.2 (MANE Select); 4 bases into the intron after coding-DNA position 631, C replaced by T.
Molecular consequence: intron variant.
Genome position (GRCh38, 1-based): chr19:13,371,684, G>A on the plus strand (C>T on the coding strand, the complement: CACNA1A is on the minus strand). VCF-style: chr19-13371684-G-A. GRCh37 (hg19) VCF-style: chr19-13482498-G-A.
Other names: c.631+4C>T (NM_001127221.2, NM_001174080.2, NM_000068.4 and 1 more transcripts).
Identifiers: ClinVar variation 585582 (VCV000585582.12), dbSNP rs1568581241, ClinGen allele CA891844137.

ClinVar aggregate classification (germline): Uncertain significance. Review status: criteria provided, multiple submitters, no conflicts (2 of 4 stars). 3 submissions from 3 submitters: Uncertain significance (3). Last evaluated 2024-07-15.

Conditions:
Episodic ataxia type 2 (EA2). Also called: ACETAZOLAMIDE-RESPONSIVE HEREDITARY PAROXYSMAL CEREBELLAR ATAXIA; CEREBELLAR ATAXIA, PAROXYSMAL, ACETAZOLAMIDE-RESPONSIVE; CEREBELLOPATHY, HEREDITARY PAROXYSMAL; EPISODIC ATAXIA, NYSTAGMUS-ASSOCIATED; ATAXIA, EPISODIC, WITH NYSTAGMUS; ATAXIA, FAMILIAL PAROXYSMAL. Identifiers: Orphanet 97, MedGen C1720416, MONDO:0007163, OMIM 108500.
Developmental and epileptic encephalopathy, 42 (DEE42A). Also called: DEVELOPMENTAL AND EPILEPTIC ENCEPHALOPATHY 42A; EPILEPTIC ENCEPHALOPATHY, EARLY INFANTILE, 42A; Epileptic encephalopathy, early infantile, 42. Identifiers: MedGen C4310716, MONDO:0014917, OMIM 617106.

Submissions (3):

Labcorp Genetics (formerly Invitae), Labcorp
Classification: Uncertain significance for Developmental and epileptic encephalopathy, 42; Episodic ataxia type 2. Last evaluated: 2024-07-15. Review status: criteria provided, single submitter. Criteria: Invitae Variant Classification Sherloc (09022015). Collection method: clinical testing. Allele origin: germline.
Comment: This sequence change falls in intron 4 of the CACNA1A gene. It does not directly change the encoded amino acid sequence of the CACNA1A protein. It affects a nucleotide within the consensus splice site. This variant is not present in population databases (gnomAD no frequency). This variant has not been reported in the literature in individuals affected with CACNA1A-related conditions. ClinVar contains an entry for this variant (Variation ID: 585582). Variants that disrupt the consensus splice site are a relatively common cause of aberrant splicing (PMID: 17576681, 9536098). Algorithms developed to predict the effect of sequence changes on RNA splicing suggest that this variant may disrupt the consensus splice site. In summary, the available evidence is currently insufficient to determine the role of this variant in disease. Therefore, it has been classified as a Variant of Uncertain Significance.

GeneDx
Classification: Uncertain significance. Last evaluated: 2019-06-28. Review status: criteria provided, single submitter. Criteria: GeneDx Variant Classification Process June 2021. Collection method: clinical testing. Allele origin: germline. Affected: yes.
Comment: Not observed in large population cohorts (Lek et al., 2016); In silico analysis, which includes splice predictors and evolutionary conservation, supports a deleterious effect; Has not been previously published as pathogenic or benign to our knowledge

Athena Diagnostics
Classification: Uncertain significance. Last evaluated: 2018-06-26. Review status: criteria provided, single submitter. Criteria: Athena Diagnostics Criteria. Collection method: clinical testing. Allele origin: germline.

Literature cited by the submitters: PubMed 17576681 (cited by Labcorp Genetics (formerly Invitae), Labcorp); PubMed 9536098 (cited by Labcorp Genetics (formerly Invitae), Labcorp).